The following is an entry in ClinVar:

NC_000023.10:g.(?_83372068)_(86924394_?)del

Genes: APOOL (apolipoprotein O like; plus strand), CHM (CHM Rab escort protein; minus strand), DACH2 (dachshund family transcription factor 2; plus strand), HDX (highly divergent homeobox; minus strand), KLHL4 (kelch like family member 4; plus strand) and 4 more. Cytogenetic location: Xq21.1-21.31.
Variant type: Deletion.
Identifiers: ClinVar variation 833482 (VCV000833482.1).

ClinVar aggregate classification (germline): Pathogenic (1 of 4 stars; one submission).

Submission:

Labcorp Genetics (formerly Invitae), Labcorp
Classification: Pathogenic. Last evaluated: 2019-08-05. Review status: criteria provided, single submitter. Criteria: Invitae Variant Classification Sherloc (09022015). Collection method: clinical testing. Allele origin: germline.
Comment: A gross deletion of the genomic region encompassing the full coding sequence of the CHM gene has been identified. The boundaries of this event are unknown as the deletion extends beyond the assayed region for this gene and therefore may encompass additional genes. A similar deletion has been observed in several individuals affected with choroideremia (PMID: 26133251, 7981671, 21905166, 23811034) and segregated with choroideremia in several families (PMID: 8749050, 17698759). Larger deletions involving this and neighboring genes have also been reported in families with choroideremia, deafness, and mental retardation (PMID: 3476958). Loss-of-function variants in CHM are known to be pathogenic (PMID: 9067750, 23811034). For these reasons, this variant has been classified as Pathogenic.

Literature cited by the submitters: PubMed 21905166; PubMed 8749050; PubMed 23811034; PubMed 26133251; PubMed 17698759; PubMed 7981671; PubMed 3476958.